The following is an entry in ClinVar:

ClinVar aggregate classification (germline): Benign/Likely benign. Review status: criteria provided, multiple submitters, no conflicts (2 of 4 stars). 3 submissions from 3 submitters: Benign (1); Likely benign (1). 1 of the submissions does not count toward it. Last evaluated 2026-02-02.

Conditions:
MED13L-related disorder. Also called: MED13L-related condition.
Dextro-looped transposition of the great arteries. Also called: Dextrotransposition of the great arteries. Identifiers: Orphanet 860, MedGen C3531771, MONDO:0019443, OMIM 608808, HP:0031348.

Allele frequency attached by ClinVar (database versions not stated): 1000 Genomes Project 30x 0.00016; 1000 Genomes Project 0.00020; TOPMed 0.00002; gnomAD 0.00004 and 0.00006; gnomAD exomes 0.00006; ExAC 0.00007.
gnomAD v4.1: 101 of 1,613,450 alleles (0.0063%); highest among the groups gnomAD compares: South Asian, 0.018%; no homozygotes.

Submissions (3):

Labcorp Genetics (formerly Invitae), Labcorp
Classification: Benign for Dextro-looped transposition of the great arteries. Last evaluated: 2026-02-02. Review status: criteria provided, single submitter. Criteria: Invitae Variant Classification Sherloc (09022015). Collection method: clinical testing. Allele origin: germline.

CeGaT Center for Human Genetics Tuebingen
Classification: Likely benign. Last evaluated: 2023-12-01. Review status: criteria provided, single submitter. Criteria: CeGaT Center For Human Genetics Tuebingen Variant Classification Criteria Version 2. Collection method: clinical testing. Allele origin: germline. Affected: yes. Observed: 1 variant allele.
Comment: MED13L: BP4, BP7

PreventionGenetics, part of Exact Sciences
Classification: Likely benign for MED13L-related condition. Last evaluated: 2019-09-19. Review status: no assertion criteria provided. Collection method: clinical testing. Allele origin: germline. Not counted in ClinVar's aggregate classification.
Comment: This variant is classified as likely benign based on ACMG/AMP sequence variant interpretation guidelines (Richards et al. 2015 PMID: 25741868, with internal and published modifications).

NM_015335.5(MED13L):c.2778C>T (p.Pro926=)

Gene: MED13L (mediator complex subunit 13L; minus strand). Cytogenetic location: 12q24.21.
Variant type: single nucleotide variant.
Coding change: c.2778C>T on transcript NM_015335.5 (MANE Select); coding-DNA position 2778, C replaced by T.
Protein change: p.Pro926=; no amino-acid change (proline 926 retained).
Molecular consequence: synonymous variant.
Genome position (GRCh38, 1-based): chr12:115,997,022, G>A on the plus strand (C>T on the coding strand, the complement: MED13L is on the minus strand). VCF-style: chr12-115997022-G-A. GRCh37 (hg19) VCF-style: chr12-116434827-G-A.
Identifiers: ClinVar variation 701187 (VCV000701187.29), dbSNP rs144357346, ClinGen allele CA6811108.